The following is an entry in ClinVar:

ClinVar aggregate classification (germline): Uncertain significance (1 of 4 stars; one submission).

Conditions:
Baller-Gerold syndrome (BGS). Also called: CRANIOSYNOSTOSIS WITH RADIAL DEFECTS. Identifiers: Orphanet 1225, MedGen C0265308, MONDO:0009039, OMIM 218600.

Submission:

Labcorp Genetics (formerly Invitae), Labcorp
Classification: Uncertain significance for Baller-Gerold syndrome. Last evaluated: 2022-10-13. Review status: criteria provided, single submitter. Criteria: Invitae Variant Classification Sherloc (09022015). Collection method: clinical testing. Allele origin: germline.
Comment: In summary, the available evidence is currently insufficient to determine the role of this variant in disease. Therefore, it has been classified as a Variant of Uncertain Significance. Algorithms developed to predict the effect of sequence changes on RNA splicing suggest that this variant may disrupt the consensus splice site. Experimental studies and prediction algorithms are not available or were not evaluated, and the functional significance of this variant is currently unknown. ClinVar contains an entry for this variant (Variation ID: 459368). This variant has not been reported in the literature in individuals affected with RECQL4-related conditions. This variant is not present in population databases (gnomAD no frequency). This variant, c.2059-10_2069dup, results in the insertion of 7 amino acid(s) of the RECQL4 protein (Leu691insProHisGlnAlaLeuLeuThr), but otherwise preserves the integrity of the reading frame.

NM_004260.4(RECQL4):c.2059-10_2069dup

Gene: RECQL4 (RecQ like helicase 4; minus strand). Cytogenetic location: 8q24.3.
Variant type: Duplication.
Coding change: c.2059-10_2069dup on transcript NM_004260.4 (MANE Select); 10 bases into the intron before coding-DNA position 2059 through coding-DNA position 2069, 21 bases duplicated (TCCTCATCAGGCACTGTTGAC).
Molecular consequence: splice acceptor variant.
Genome position (GRCh38, 1-based): chr8:144,513,702-144,513,722, GTCAACAGTGCCTGATGAGGA duplicated on the plus strand (TCCTCATCAGGCACTGTTGAC on the coding strand, the reverse complement: RECQL4 is on the minus strand); duplicating any 21 consecutive bases within chr8:144,513,702-144,513,723 gives the same sequence; the c. name uses the placement nearest the transcript's 3' end. VCF-style (leftmost placement, unchanged base first): chr8-144513701-C-CGTCAACAGTGCCTGATGAGGA. GRCh37 (hg19) VCF-style: chr8-145739085-C-CGTCAACAGTGCCTGATGAGGA.
Identifiers: ClinVar variation 459368 (VCV000459368.7), dbSNP rs1554898831, ClinGen allele CA658657844.
Genomic context (GRCh38, chr8:144,513,701, plus strand): 5'-GCGCCGGTTGCAGTAAATGATAATGGAATCGAGGTTTTGAAAACGTTTGCCTTGCAGCAG[C>CGTCAACAGTGCCTGATGAGGA]GTCAACAGTGCCTGATGAGGAGCGGTTGGCGTGGGCAGTGGGGAGTGAGGAGGGGTCGGC-3'